The following is an entry in ClinVar:

ClinVar aggregate classification (germline): Likely benign. Review status: criteria provided, multiple submitters, no conflicts (2 of 4 stars). 2 submissions from 2 submitters: Likely benign (2). Last evaluated 2024-01-01.

Allele frequency attached by ClinVar (database versions not stated): gnomAD exomes below 0.00001.
gnomAD v4.1: 2 of 1,475,968 alleles (0.00014%); highest among the groups gnomAD compares: Non-Finnish European, 0.00018%; no homozygotes.

Submissions (2):

CeGaT Center for Human Genetics Tuebingen
Classification: Likely benign. Last evaluated: 2024-01-01. Review status: criteria provided, single submitter. Criteria: CeGaT Center For Human Genetics Tuebingen Variant Classification Criteria Version 2. Collection method: clinical testing. Allele origin: germline. Affected: yes. Observed: 1 variant allele.
Comment: CDK13: BP4, BP7

Blueprint Genetics
Classification: Likely benign. Last evaluated: 2023-02-13. Review status: criteria provided, single submitter. Criteria: ACMG Guidelines, 2015. Collection method: clinical testing. Allele origin: germline.

NM_003718.5(CDK13):c.1023C>T (p.Pro341=)

Gene: CDK13 (cyclin dependent kinase 13; plus strand). Cytogenetic location: 7p14.1.
Variant type: single nucleotide variant.
Coding change: c.1023C>T on transcript NM_003718.5 (MANE Select); coding-DNA position 1023, C replaced by T.
Protein change: p.Pro341=; no amino-acid change (proline 341 retained).
Molecular consequence: synonymous variant.
Genome position (GRCh38, 1-based): chr7:39,951,664, C>T. VCF-style: chr7-39951664-C-T. GRCh37 (hg19) VCF-style: chr7-39991263-C-T.
Other names: c.1023C>T, p.Pro341= (NM_031267.4).
Identifiers: ClinVar variation 3026116 (VCV003026116.23), dbSNP rs907285806, ClinGen allele CA157707234.
Genomic context (GRCh38, chr7:39,951,664, plus strand): 5'-CCGGGACGACAGCCCGGTGTCCCACAGGGCCTCTCAGAGCCTGAGGAGCCGCAAGTCCCC[C>T]AGCCCGGCAGGAGGTGGCAGCAGCCCCTATTCTCGGCGGCTGCCGCGCTCCCCGAGCCCC-3'
Protein context (NP_003709.3, residues 331-351): ASQSLRSRKS[Pro341=]SPAGGGSSPY